The following is an entry in ClinVar:

ClinVar aggregate classification (germline): Uncertain significance. Review status: criteria provided, multiple submitters, no conflicts (2 of 4 stars). 4 submissions from 4 submitters: Uncertain significance (4). Last evaluated 2025-03-06.

Conditions:
Hereditary cancer-predisposing syndrome. Also called: Hereditary neoplastic syndrome; Tumor predisposition; Neoplastic Syndromes, Hereditary; Hereditary Cancer Syndrome. Identifiers: Orphanet 140162, MedGen C0027672, MeSH D009386, MONDO:0015356.
Classic or attenuated familial adenomatous polyposis. Identifiers: MedGen CN372698, MONDO:0021057.
Familial adenomatous polyposis 1 (FAP1). Also called: FAMILIAL ADENOMATOUS POLYPOSIS 1, ATTENUATED; POLYPOSIS, ADENOMATOUS INTESTINAL. Identifiers: MedGen C2713442, MONDO:0021056, OMIM 175100. Disease mechanism: loss of function.

Submissions (4):

Ambry Genetics
Classification: Uncertain significance for Hereditary cancer-predisposing syndrome. Last evaluated: 2025-03-06. Review status: criteria provided, single submitter. Criteria: Ambry Variant Classification Scheme 2023. Collection method: clinical testing. Allele origin: germline.
Comment: The p.D1266Y variant (also known as c.3796G>T), located in coding exon 15 of the APC gene, results from a G to T substitution at nucleotide position 3796. The aspartic acid at codon 1266 is replaced by tyrosine, an amino acid with highly dissimilar properties. Missense alterations in APC are not a common cause of disease (Spier I et al. Genet Med. 2024 Feb;26(2):100992). This amino acid position is highly conserved in available vertebrate species. In addition, in silico predictors for this gene do not accurately predict pathogenicity. Based on the available evidence, the clinical significance of this variant remains unclear.

All of Us Research Program, National Institutes of Health
Classification: Uncertain significance for Classic or attenuated familial adenomatous polyposis. Last evaluated: 2024-06-11. Review status: criteria provided, single submitter. Criteria: ACMG Guidelines, 2015. Collection method: clinical testing. Allele origin: germline. Inheritance: Autosomal dominant inheritance. Observed: 2 variant alleles, 2 heterozygotes.
Comment: This missense variant replaces aspartic acid with tyrosine at codon 1266 of the APC protein. Computational prediction suggests that this variant may have deleterious impact on protein structure and function (internally defined REVEL score threshold >= 0.7, PMID: 27666373). To our knowledge, functional studies have not been reported for this variant. This variant has not been reported in individuals affected with hereditary cancer in the literature. This variant has not been identified in the general population by the Genome Aggregation Database (gnomAD). The available evidence is insufficient to determine the role of this variant in disease conclusively. Therefore, this variant is classified as a Variant of Uncertain Significance.

This study involves interpretation of variants in research participants for the purpose of population health screening. Participant phenotype was not available at the time of variant classification. Additional details can be found in publication PMID: 35346344, PMCID: PMC8962531

Labcorp Genetics (formerly Invitae), Labcorp
Classification: Uncertain significance for Familial adenomatous polyposis 1. Last evaluated: 2023-07-25. Review status: criteria provided, single submitter. Criteria: Invitae Variant Classification Sherloc (09022015). Collection method: clinical testing. Allele origin: germline.
Comment: Advanced modeling of protein sequence and biophysical properties (such as structural, functional, and spatial information, amino acid conservation, physicochemical variation, residue mobility, and thermodynamic stability) performed at Invitae indicates that this missense variant is not expected to disrupt APC protein function. In summary, the available evidence is currently insufficient to determine the role of this variant in disease. Therefore, it has been classified as a Variant of Uncertain Significance. ClinVar contains an entry for this variant (Variation ID: 954037). This missense change has been observed in individual(s) with clinical features of APC-related conditions (PMID: 10612827, 21520333). This variant is not present in population databases (gnomAD no frequency). This sequence change replaces aspartic acid, which is acidic and polar, with tyrosine, which is neutral and polar, at codon 1266 of the APC protein (p.Asp1266Tyr).

Color Diagnostics, LLC DBA Color Health
Classification: Uncertain significance for Hereditary cancer-predisposing syndrome. Last evaluated: 2022-09-19. Review status: criteria provided, single submitter. Criteria: ACMG Guidelines, 2015. Collection method: clinical testing. Allele origin: germline.
Comment: This missense variant replaces aspartic acid with tyrosine at codon 1266 of the APC protein. Computational prediction suggests that this variant may have deleterious impact on protein structure and function (internally defined REVEL score threshold >= 0.7, PMID: 27666373). To our knowledge, functional studies have not been reported for this variant. This variant has not been reported in individuals affected with hereditary cancer in the literature. This variant has not been identified in the general population by the Genome Aggregation Database (gnomAD). The available evidence is insufficient to determine the role of this variant in disease conclusively. Therefore, this variant is classified as a Variant of Uncertain Significance.

Literature cited by the submitters: PubMed 10612827 (cited by Labcorp Genetics (formerly Invitae), Labcorp); PubMed 21520333 (cited by Labcorp Genetics (formerly Invitae), Labcorp).

NM_000038.6(APC):c.3796G>T (p.Asp1266Tyr)

Gene: APC (APC regulator of Wnt signaling pathway; plus strand). Cytogenetic location: 5q22.2.
Variant type: single nucleotide variant.
Coding change: c.3796G>T on transcript NM_000038.6 (MANE Select); coding-DNA position 3796, G replaced by T.
Protein change: p.Asp1266Tyr; replaces aspartic acid 1266 with tyrosine.
Molecular consequence: missense variant.
Genome position (GRCh38, 1-based): chr5:112,839,390, G>T. VCF-style: chr5-112839390-G-T. GRCh37 (hg19) VCF-style: chr5-112175087-G-T.
Other names: c.3796G>T, p.Asp1266Tyr (NM_001127510.3, NM_001354895.2); c.3742G>T, p.Asp1248Tyr (NM_001127511.3); c.3850G>T, p.Asp1284Tyr (NM_001354896.2); c.3826G>T, p.Asp1276Tyr (NM_001354897.2); c.3721G>T, p.Asp1241Tyr (NM_001354898.2); c.3712G>T, p.Asp1238Tyr (NM_001354899.2); c.3673G>T, p.Asp1225Tyr (NM_001354900.2); c.3619G>T, p.Asp1207Tyr (NM_001354901.2); and 5 more; short protein forms D1106Y, D1140Y, D1175Y, D1207Y, D1238Y, D1241Y, D1248Y, D1266Y.
Identifiers: ClinVar variation 954037 (VCV000954037.18), dbSNP rs1765524248, ClinGen allele CA16029661.